The following is an entry in ClinVar:

ClinVar aggregate classification (germline): Uncertain significance (1 of 4 stars; one submission).

Submission:

Labcorp Genetics (formerly Invitae), Labcorp
Classification: Uncertain significance. Last evaluated: 2023-07-25. Review status: criteria provided, single submitter. Criteria: Invitae Variant Classification Sherloc (09022015). Collection method: clinical testing. Allele origin: germline.
Comment: In summary, the available evidence is currently insufficient to determine the role of this variant in disease. Therefore, it has been classified as a Variant of Uncertain Significance. An algorithm developed to predict the effect of missense changes on protein structure and function (PolyPhen-2) suggests that this variant is likely to be disruptive. This variant has not been reported in the literature in individuals affected with CTR9-related conditions. This variant is not present in population databases (gnomAD no frequency). This sequence change replaces alanine, which is neutral and non-polar, with valine, which is neutral and non-polar, at codon 360 of the CTR9 protein (p.Ala360Val).

NM_014633.5(CTR9):c.1079C>T (p.Ala360Val)

Gene: CTR9 (CTR9 component of Paf1/RNA polymerase II complex; plus strand). Cytogenetic location: 11p15.4.
Variant type: single nucleotide variant.
Coding change: c.1079C>T on transcript NM_014633.5 (MANE Select); coding-DNA position 1079, C replaced by T.
Protein change: p.Ala360Val; replaces alanine 360 with valine.
Molecular consequence: missense variant.
Genome position (GRCh38, 1-based): chr11:10,763,764, C>T. VCF-style: chr11-10763764-C-T. GRCh37 (hg19) VCF-style: chr11-10785311-C-T.
Other names: c.1079C>T, p.Ala360Val (NM_001346279.2); short protein forms A360V.
Identifiers: ClinVar variation 2801968 (VCV002801968.3), dbSNP rs2539379465, ClinGen allele CA379664891.
Genomic context (GRCh38, chr11:10,763,764, plus strand): 5'-TTGTGCTCCCATTTTTTGGTTTGGGACAAATGTATATTTATCGAGGTGACAAAGAAAATG[C>T]ATCTCAGTGCTTTGAGAAGGTTTTGAAAGCTTATCCTAATAATTACGAAACTATGAAAAT-3'
Protein context (NP_055448.1, residues 350-370): MYIYRGDKEN[Ala360Val]SQCFEKVLKA